The following is an entry in ClinVar:

ClinVar aggregate classification (germline): Uncertain significance (1 of 4 stars; one submission).

Submission:

Labcorp Genetics (formerly Invitae), Labcorp
Classification: Uncertain significance. Last evaluated: 2024-11-21. Review status: criteria provided, single submitter. Criteria: Invitae Variant Classification Sherloc (09022015). Collection method: clinical testing. Allele origin: germline.
Comment: This sequence change replaces phenylalanine, which is neutral and non-polar, with valine, which is neutral and non-polar, at codon 385 of the RECQL protein (p.Phe385Val). This variant is not present in population databases (gnomAD no frequency). This variant has not been reported in the literature in individuals affected with RECQL-related conditions. Invitae Evidence Modeling of protein sequence and biophysical properties (such as structural, functional, and spatial information, amino acid conservation, physicochemical variation, residue mobility, and thermodynamic stability) indicates that this missense variant is expected to disrupt RECQL protein function with a positive predictive value of 80%. In summary, the available evidence is currently insufficient to determine the role of this variant in disease. Therefore, it has been classified as a Variant of Uncertain Significance.

NM_002907.4(RECQL):c.1153T>G (p.Phe385Val)

Gene: RECQL (RecQ like helicase; minus strand). Cytogenetic location: 12p12.1.
Variant type: single nucleotide variant.
Coding change: c.1153T>G on transcript NM_002907.4 (MANE Select); coding-DNA position 1153, T replaced by G.
Protein change: p.Phe385Val; replaces phenylalanine 385 with valine.
Molecular consequence: missense variant.
Genome position (GRCh38, 1-based): chr12:21,475,531, A>C on the plus strand (T>G on the coding strand, the complement: RECQL is on the minus strand). VCF-style: chr12-21475531-A-C. GRCh37 (hg19) VCF-style: chr12-21628465-A-C.
Other names: c.1153T>G, p.Phe385Val (NM_032941.3); short protein forms F385V.
Identifiers: ClinVar variation 3714354 (VCV003714354.2).